The following is an entry in ClinVar:

ClinVar aggregate classification (germline): Uncertain significance. Review status: criteria provided, multiple submitters, no conflicts (2 of 4 stars). 3 submissions from 3 submitters: Uncertain significance (3). Last evaluated 2026-03-16.

Conditions:
Intellectual disability, autosomal recessive 53 (NEDHSCA). Also called: GLYCOSYLPHOSPHATIDYLINOSITOL BIOSYNTHESIS DEFECT 13; Mental retardation, autosomal recessive 53; NEURODEVELOPMENTAL DISORDER WITH OR WITHOUT HYPOTONIA, SEIZURES, AND CEREBELLAR ATROPHY. Identifiers: Orphanet 488635, MedGen C4310794, MONDO:0014832, OMIM 616917.
Inborn genetic diseases. Identifiers: MedGen C0950123, MeSH D030342.

Allele frequency attached by ClinVar (database versions not stated): gnomAD 0.00001; ExAC 0.00002; gnomAD exomes 0.00003 and 0.00002; TOPMed 0.00001.
gnomAD v4.1: 12 of 1,614,084 alleles (0.00074%); highest among the groups gnomAD compares: Admixed American, 0.02%; no homozygotes.

Submissions (3):

GeneDx
Classification: Uncertain significance. Last evaluated: 2026-03-16. Review status: criteria provided, single submitter. Criteria: GeneDx Variant Classification Process June 2021. Collection method: clinical testing. Allele origin: germline.
Comment: In silico analysis suggests that this missense variant does not alter protein structure/function; Has not been previously published as pathogenic or benign to our knowledge

Ambry Genetics
Classification: Uncertain significance for Inborn genetic diseases. Last evaluated: 2024-04-17. Review status: criteria provided, single submitter. Criteria: Ambry Variant Classification Scheme 2023. Collection method: clinical testing. Allele origin: germline.

Labcorp Genetics (formerly Invitae), Labcorp
Classification: Uncertain significance for Intellectual disability, autosomal recessive 53. Last evaluated: 2022-08-16. Review status: criteria provided, single submitter. Criteria: Invitae Variant Classification Sherloc (09022015). Collection method: clinical testing. Allele origin: germline.
Comment: This sequence change replaces glycine, which is neutral and non-polar, with aspartic acid, which is acidic and polar, at codon 627 of the PIGG protein (p.Gly627Asp). This variant is present in population databases (rs768176283, gnomAD 0.02%). This variant has not been reported in the literature in individuals affected with PIGG-related conditions. ClinVar contains an entry for this variant (Variation ID: 476327). Algorithms developed to predict the effect of missense changes on protein structure and function (SIFT, PolyPhen-2, Align-GVGD) all suggest that this variant is likely to be tolerated. In summary, the available evidence is currently insufficient to determine the role of this variant in disease. Therefore, it has been classified as a Variant of Uncertain Significance.

NM_001127178.3(PIGG):c.1880G>A (p.Gly627Asp)

Gene: PIGG (phosphatidylinositol glycan anchor biosynthesis class G (EMM blood group); plus strand). Cytogenetic location: 4p16.3.
Variant type: single nucleotide variant.
Coding change: c.1880G>A on transcript NM_001127178.3 (MANE Select); coding-DNA position 1880, G replaced by A.
Protein change: p.Gly627Asp; replaces glycine 627 with aspartic acid.
Molecular consequence: missense variant. On other transcripts: non-coding transcript variant (6).
Genome position (GRCh38, 1-based): chr4:523,724, G>A. VCF-style: chr4-523724-G-A. GRCh37 (hg19) VCF-style: chr4-517513-G-A.
Other names: c.1613G>A, p.Gly538Asp (NM_001289051.2, NM_001345986.2); c.1481G>A, p.Gly494Asp (NM_001289052.2); c.1589G>A, p.Gly530Asp (NM_001345987.2); c.851G>A, p.Gly284Asp (NM_001345988.2); c.347G>A, p.Gly116Asp (NM_001345990.2, NM_001345991.2); c.782G>A, p.Gly261Asp (NM_001345994.2); c.1856G>A, p.Gly619Asp (NM_017733.5); c.1880G>A (NM_001127178.1); short protein forms G627D, G261D, G284D, G494D, G538D, G530D, G116D, G619D.
Identifiers: ClinVar variation 476327 (VCV000476327.8), dbSNP rs768176283, ClinGen allele CA2793473.